The following is an entry in ClinVar:

ClinVar aggregate classification (germline): Uncertain significance (1 of 4 stars; one submission).

Conditions:
Dilated cardiomyopathy 1G (CMD1G). Identifiers: Orphanet 154, MedGen C1858763, MONDO:0011400, OMIM 604145.
Autosomal recessive limb-girdle muscular dystrophy type 2J (LGMDR10). Also called: Limb-girdle muscular dystrophy, type 2J; MUSCULAR DYSTROPHY, LIMB-GIRDLE, AUTOSOMAL RECESSIVE 10. Identifiers: Orphanet 140922, MedGen C1837342, MONDO:0012127, OMIM 608807.

Allele frequency attached by ClinVar (database versions not stated): gnomAD 0.00001; ExAC 0.00002; TOPMed 0.00002; ESP Exome Variant Server 0.00008.
gnomAD v4.1: 2 of 1,613,856 alleles (0.00012%); highest among the groups gnomAD compares: African/African-American, 0.0027%; no homozygotes.

Submission:

Labcorp Genetics (formerly Invitae), Labcorp
Classification: Uncertain significance for Dilated cardiomyopathy 1G; Autosomal recessive limb-girdle muscular dystrophy type 2J. Last evaluated: 2024-02-08. Review status: criteria provided, single submitter. Criteria: Invitae Variant Classification Sherloc (09022015). Collection method: clinical testing. Allele origin: germline.
Comment: This sequence change replaces serine, which is neutral and polar, with asparagine, which is neutral and polar, at codon 35839 of the TTN protein (p.Ser35839Asn). This variant is present in population databases (rs373041506, gnomAD 0.01%). This variant has not been reported in the literature in individuals affected with TTN-related conditions. Experimental studies and prediction algorithms are not available or were not evaluated, and the functional significance of this variant is currently unknown. In summary, the available evidence is currently insufficient to determine the role of this variant in disease. Therefore, it has been classified as a Variant of Uncertain Significance.

NM_001267550.2(TTN):c.107516G>A (p.Ser35839Asn)

Genes: TTN (titin; minus strand), TTN-AS1 (TTN antisense RNA 1; plus strand). Cytogenetic location: 2q31.2.
Variant type: single nucleotide variant.
Coding change: c.107516G>A on transcript NM_001267550.2 (MANE Select); coding-DNA position 107516, G replaced by A.
Protein change: p.Ser35839Asn; replaces serine 35839 with asparagine.
Molecular consequence: missense variant.
Genome position (GRCh38, 1-based): chr2:178,527,610, C>T on the plus strand (G>A on the coding strand, the complement: TTN is on the minus strand). VCF-style: chr2-178527610-C-T. GRCh37 (hg19) VCF-style: chr2-179392337-C-T.
Other names: c.102593G>A, p.Ser34198Asn (NM_001256850.1); c.80321G>A, p.Ser26774Asn (NM_003319.4); c.99812G>A, p.Ser33271Asn (NM_133378.4); c.80696G>A, p.Ser26899Asn (NM_133432.3); c.80897G>A, p.Ser26966Asn (NM_133437.4); short protein forms S26899N, S26966N, S34198N, S35839N, S26774N, S33271N.
Identifiers: ClinVar variation 2924828 (VCV002924828.3), dbSNP rs373041506, ClinGen allele CA1984931.